The following is an entry in ClinVar:

ClinVar aggregate classification (germline): Likely pathogenic (1 of 4 stars; one submission).

Conditions:
Citrullinemia. Identifiers: Orphanet 187, MedGen C0175683, MONDO:0015991.

Submission:

Natera, Inc.
Classification: Likely pathogenic for Citrullinemia. Last evaluated: 2024-05-14. Review status: criteria provided, single submitter. Criteria: Natera Variant Classification Schema (03/2026). Collection method: clinical testing. Allele origin: germline.
Comment: The c.1657del variant in SLC25A13 is a frameshift variant predicted to shift the reading frame beginning at codon 553 and leads to a stop codon 10 codons downstream. This variant is expected to result in nonsense mediated decay, truncation, or a dysfunctional protein product. This variant is rare in the general population with a frequency below the threshold expected for the associated phenotype(s). Given the available evidence, this variant is classified as Likely Pathogenic.

NM_014251.3(SLC25A13):c.1657del (p.Arg553fs)

Gene: SLC25A13 (solute carrier family 25 member 13; minus strand). Cytogenetic location: 7q21.3.
Variant type: Deletion.
Coding change: c.1657del on transcript NM_014251.3 (MANE Select); coding-DNA position 1657, one base deleted (C; older notation c.1657delC).
Protein change: p.Arg553fs; shifts the reading frame from arginine 553.
Molecular consequence: frameshift variant. On other transcripts: non-coding transcript variant (1).
Genome position (GRCh38, 1-based): chr7:96,121,932, G deleted on the plus strand (C on the coding strand, the reverse complement: SLC25A13 is on the minus strand); the first of 3 consecutive G bases (chr7:96,121,932-96,121,934); deleting any one gives the same sequence. VCF-style (leftmost placement, unchanged base first): chr7-96121931-CG-C. GRCh37 (hg19) VCF-style: chr7-95751243-CG-C.
Other names: c.1660del, p.Arg554fs (NM_001160210.2); short protein forms R553fs, R554fs.
Identifiers: ClinVar variation 4815632 (VCV004815632.1).
Genomic context (GRCh38, chr7:96,121,931, plus strand): 5'-TCTTCACGCAGTATCTTTCTAAAGCAGTCTATCACTCCGCTGTAAGTGGTTTGGCCAGCC[CG>C]GGCAGCCACCTGTAATCTCGTCTTGATAACATCAGCAGGGGTCACTAAAGATGCTGCAGG-3'